The following is an entry in ClinVar:

ClinVar aggregate classification (germline): Uncertain significance (1 of 4 stars; one submission).

Allele frequency attached by ClinVar (database versions not stated): gnomAD exomes 0.00001; ExAC 0.00002.

Submission:

Ambry Genetics
Classification: Uncertain significance. Last evaluated: 2023-02-24. Review status: criteria provided, single submitter. Criteria: Ambry Variant Classification Scheme 2023. Collection method: clinical testing. Allele origin: germline.
Comment: The p.A283E variant (also known as c.848C>A), located in coding exon 4 of the MNDA gene, results from a C to A substitution at nucleotide position 848. The alanine at codon 283 is replaced by glutamic acid, an amino acid with dissimilar properties. This amino acid position is conserved. In addition, this alteration is predicted to be tolerated by in silico analysis. Since supporting evidence is limited at this time, the clinical significance of this alteration remains unclear.

NM_002432.3(MNDA):c.848C>A (p.Ala283Glu)

Gene: MNDA (myeloid cell nuclear differentiation antigen; plus strand). Cytogenetic location: 1q23.1.
Variant type: single nucleotide variant.
Coding change: c.848C>A on transcript NM_002432.3 (MANE Select); coding-DNA position 848, C replaced by A.
Protein change: p.Ala283Glu; replaces alanine 283 with glutamic acid.
Molecular consequence: missense variant.
Genome position (GRCh38, 1-based): chr1:158,845,864, C>A. VCF-style: chr1-158845864-C-A. GRCh37 (hg19) VCF-style: chr1-158815654-C-A.
Other names: short protein forms A283E.
Identifiers: ClinVar variation 2448178 (VCV002448178.2), dbSNP rs759660450, ClinGen allele CA1185719.
Genomic context (GRCh38, chr1:158,845,864, plus strand): 5'-AGAAGGTCATTACCATATCTGATTACTCTGAATGTAAAGGAGTAATGGAAATAAAGGAAG[C>A]ATCATCTGTGTCTGACTTTAATCAAAATTTTGAGGTCCCAAACAGAATTATCGAAATAGC-3'
Protein context (NP_002423.1, residues 273-293): ECKGVMEIKE[Ala283Glu]SSVSDFNQNF